The following is an entry in ClinVar:

NM_001035.3(RYR2):c.13573TCT[1] (p.Ser4526del)

Gene: RYR2 (ryanodine receptor 2; plus strand). Cytogenetic location: 1q43.
Variant type: Microsatellite.
Coding change: c.13573TCT[1] on transcript NM_001035.3 (MANE Select); one copy of the 3-base unit TCT starting at c.13573; the reference has two copies in a row; one copy, 3 bases deleted; also written c.13576_13578del.
Protein change: p.Ser4526del; deletes serine 4526.
Molecular consequence: inframe deletion.
Genome position (GRCh38, 1-based): chr1:237,792,117-237,792,119, TCT deleted; deleting any 3 consecutive bases within chr1:237,792,112-237,792,119 gives the same sequence; the position shown is the placement nearest the transcript's 3' end. VCF-style (leftmost placement, unchanged base first): chr1-237792111-ACTT-A. GRCh37 (hg19) VCF-style: chr1-237955411-ACTT-A.
Other names: c.13576_13578del (NM_001035.3); c.13576_13578delTCT (NM_001035.2, NM_001035.3); short protein forms S4526del.
Identifiers: ClinVar variation 430544 (VCV000430544.22), dbSNP rs749495172, ClinGen allele CA1474973.

ClinVar aggregate classification (germline): Uncertain significance. Review status: criteria provided, multiple submitters, no conflicts (2 of 4 stars). 6 submissions from 6 submitters: Uncertain significance (6). Last evaluated 2025-12-18.

Conditions:
Catecholaminergic polymorphic ventricular tachycardia (CVPT). Also called: Catecholamine-induced polymorphic ventricular tachycardia. Identifiers: Orphanet 3286, MedGen C5574922, MONDO:0017990.
Cardiovascular phenotype. Identifiers: MedGen CN230736.
Cardiomyopathy (CMYO). Also called: Cardiomyopathies. Identifiers: Orphanet 167848, MedGen C0878544, MONDO:0004994, HP:0001638. Inheritance: Various modes of inheritance.
Catecholaminergic polymorphic ventricular tachycardia 1. Also called: VENTRICULAR TACHYCARDIA, CATECHOLAMINERGIC POLYMORPHIC, 1, WITH OR WITHOUT ATRIAL DYSFUNCTION AND/OR DILATED CARDIOMYOPATHY; RYR2-Related Catecholaminergic Polymorphic Ventricular Tachycardia; VENTRICULAR TACHYCARDIA, STRESS-INDUCED POLYMORPHIC 1. Identifiers: Orphanet 3286, MedGen C1631597, MONDO:0011484, OMIM 604772.

Submissions (6):

Color Diagnostics, LLC DBA Color Health
Classification: Uncertain significance for Cardiomyopathy. Last evaluated: 2025-12-18. Review status: criteria provided, single submitter. Criteria: ACMG Guidelines, 2015. Collection method: clinical testing. Allele origin: germline.
Comment: This variant causes the deletion of a single amino acide at codon 4526 in the RYR2 protein. To our knowledge, functional studies have not been reported for this variant. This variant has not been reported in individuals affected with RYR2-related disorders in the literature. This variant has been identified in 75/1592478 chromosomes in the general population by the Genome Aggregation Database (gnomAD). The available evidence is insufficient to determine the role of this variant in disease conclusively. Therefore, this variant is classified as a Variant of Uncertain Significance.

Women's Health and Genetics/Laboratory Corporation of America, LabCorp
Classification: Uncertain significance. Last evaluated: 2025-09-08. Review status: criteria provided, single submitter. Criteria: LabCorp Variant Classification Summary - May 2015. Collection method: clinical testing. Allele origin: germline.
Comment: Variant summary: RYR2 c.13576_13578delTCT (p.Ser4526del) results in an in-frame deletion that is predicted to remove 1 amino acid from the encoded protein. The variant allele was found at a frequency of 9.2e-06 in 216590 control chromosomes. The available data on variant occurrences in the general population are insufficient to allow any conclusion about variant significance. To our knowledge, no occurrence of c.13576_13578delTCT in individuals affected with RYR2-related conditions and no experimental evidence demonstrating its impact on protein function have been reported. ClinVar contains an entry for this variant (Variation ID: 430544). Based on the evidence outlined above, the variant was classified as uncertain significance.

Labcorp Genetics (formerly Invitae), Labcorp
Classification: Uncertain significance for Catecholaminergic polymorphic ventricular tachycardia 1. Last evaluated: 2025-05-28. Review status: criteria provided, single submitter. Criteria: Invitae Variant Classification Sherloc (09022015). Collection method: clinical testing. Allele origin: germline.
Comment: This variant, c.13576_13578del, results in the deletion of 1 amino acid(s) of the RYR2 protein (p.Ser4526del), but otherwise preserves the integrity of the reading frame. This variant is present in population databases (rs749495172, gnomAD 0.003%). This variant has not been reported in the literature in individuals affected with RYR2-related conditions. ClinVar contains an entry for this variant (Variation ID: 430544). Experimental studies and prediction algorithms are not available or were not evaluated, and the functional significance of this variant is currently unknown. In summary, the available evidence is currently insufficient to determine the role of this variant in disease. Therefore, it has been classified as a Variant of Uncertain Significance.

GeneDx
Classification: Uncertain significance. Last evaluated: 2024-11-19. Review status: criteria provided, single submitter. Criteria: GeneDx Variant Classification Process June 2021. Collection method: clinical testing. Allele origin: germline. Affected: yes.
Comment: Located in one of the three hot-spot regions of the RYR2 gene, where the majority of pathogenic missense variants occur (PMID: 19926015); In-frame deletion of 1 amino acid in a non-repeat region; In silico analysis supports a deleterious effect on protein structure/function; Not observed at significant frequency in large population cohorts (gnomAD); Has not been previously published as pathogenic or benign to our knowledge; This variant is associated with the following publications: (PMID: 19926015)

All of Us Research Program, National Institutes of Health
Classification: Uncertain significance for Catecholaminergic polymorphic ventricular tachycardia. Last evaluated: 2024-05-14. Review status: criteria provided, single submitter. Criteria: ACMG Guidelines, 2015. Collection method: clinical testing. Allele origin: germline. Inheritance: Autosomal dominant inheritance. Observed: 6 variant alleles, 6 heterozygotes.
Comment: This variant causes a deletion of one amino acid in the pore-forming region of the RYR2 protein. To our knowledge, functional studies have not been performed for this variant. Computational splicing tools suggest that this variant may not impact RNA splicing. This variant has not been reported in individuals affected with cardiovascular disorders in the literature. This variant has been identified in 3/247966 chromosomes in the general population by the Genome Aggregation Database (gnomAD). Available evidence is insufficient to determine the role of this variant in disease conclusively. Therefore, this variant is classified as a Variant of Uncertain Significance.

This study involves interpretation of variants in research participants for the purpose of population health screening. Participant phenotype was not available at the time of variant classification. Additional details can be found in publication PMID: 35346344, PMCID: PMC8962531

Ambry Genetics
Classification: Uncertain significance for Cardiovascular phenotype. Last evaluated: 2017-06-08. Review status: criteria provided, single submitter. Criteria: Ambry Variant Classification Scheme 2023. Collection method: clinical testing. Allele origin: germline.
Comment: The c.13576_13578delTCT variant (also known as p.S4526del) is located in coding exon 94 of the RYR2 gene. This variant results from an in-frame TCT deletion at nucleotide positions 13576 to 13578. This results in the in-frame deletion of a serine at codon 4526. This amino acid position is well conserved in available vertebrate species. Since supporting evidence is limited at this time, the clinical significance of this alteration remains unclear.